The following is an entry in ClinVar:

NM_031935.3(HMCN1):c.16132G>A (p.Val5378Met)

Gene: HMCN1 (hemicentin 1; plus strand). Cytogenetic location: 1q31.1.
Variant type: single nucleotide variant.
Coding change: c.16132G>A on transcript NM_031935.3 (MANE Select); coding-DNA position 16132, G replaced by A.
Protein change: p.Val5378Met; replaces valine 5378 with methionine.
Molecular consequence: missense variant.
Genome position (GRCh38, 1-based): chr1:186,178,604, G>A. VCF-style: chr1-186178604-G-A. GRCh37 (hg19) VCF-style: chr1-186147736-G-A.
Other names: short protein forms V5378M.
Identifiers: ClinVar variation 2092861 (VCV002092861.4), dbSNP rs765089834, ClinGen allele CA1295481.

ClinVar aggregate classification (germline): Uncertain significance (1 of 4 stars; one submission).

Allele frequency attached by ClinVar (database versions not stated): gnomAD 0.00001; ExAC 0.00002; gnomAD exomes 0.00002.
gnomAD v4.1: 14 of 1,613,998 alleles (0.00087%); highest among the groups gnomAD compares: South Asian, 0.015%; no homozygotes.

Submission:

Labcorp Genetics (formerly Invitae), Labcorp
Classification: Uncertain significance. Last evaluated: 2022-04-11. Review status: criteria provided, single submitter. Criteria: Invitae Variant Classification Sherloc (09022015). Collection method: clinical testing. Allele origin: germline.
Comment: In summary, the available evidence is currently insufficient to determine the role of this variant in disease. Therefore, it has been classified as a Variant of Uncertain Significance. Algorithms developed to predict the effect of missense changes on protein structure and function output the following: SIFT: "Tolerated"; PolyPhen-2: "Benign"; Align-GVGD: "Class C0". The methionine amino acid residue is found in multiple mammalian species, which suggests that this missense change does not adversely affect protein function. This variant has not been reported in the literature in individuals affected with HMCN1-related conditions. This variant is present in population databases (rs765089834, gnomAD 0.02%). This sequence change replaces valine, which is neutral and non-polar, with methionine, which is neutral and non-polar, at codon 5378 of the HMCN1 protein (p.Val5378Met).